The following is an entry in ClinVar:

NM_144498.4(OSBPL2):c.62G>C (p.Gly21Ala)

Gene: OSBPL2 (oxysterol binding protein like 2; plus strand). Cytogenetic location: 20q13.33.
Variant type: single nucleotide variant.
Coding change: c.62G>C on transcript NM_144498.4 (MANE Select); coding-DNA position 62, G replaced by C.
Protein change: p.Gly21Ala; replaces glycine 21 with alanine.
Molecular consequence: missense variant. On other transcripts: 5 prime UTR variant (1), intron variant (2).
Genome position (GRCh38, 1-based): chr20:62,260,005, G>C. VCF-style: chr20-62260005-G-C. GRCh37 (hg19) VCF-style: chr20-60835061-G-C.
Other names: c.-305G>C (NM_001363878.2); c.38-12G>C (NM_014835.5); c.-184-3611G>C (NM_001278649.3); short protein forms G21A.
Identifiers: ClinVar variation 3643595 (VCV003643595.2).
Genomic context (GRCh38, chr20:62,260,005, plus strand): 5'-GTCCAGCGAAAATGACCATTTTCTTGTCTCGCACAGGCTTTGATTCTGATAACTCTTCTG[G>C]GGAATTTTCAGAGGCAAATCAGAAAGTCACGGGAATGATTGACTTAGACACCAGCAAAAA-3'
Protein context (NP_653081.1, residues 11-31): VTGFDSDNSS[Gly21Ala]EFSEANQKVT

ClinVar aggregate classification (germline): Uncertain significance (1 of 4 stars; one submission).

gnomAD v4.1: 2 of 1,613,858 alleles (0.00012%); highest among the groups gnomAD compares: Non-Finnish European, 0.00017%; no homozygotes.

Submission:

Labcorp Genetics (formerly Invitae), Labcorp
Classification: Uncertain significance. Last evaluated: 2024-10-13. Review status: criteria provided, single submitter. Criteria: Invitae Variant Classification Sherloc (09022015). Collection method: clinical testing. Allele origin: germline.
Comment: This sequence change replaces glycine, which is neutral and non-polar, with alanine, which is neutral and non-polar, at codon 21 of the OSBPL2 protein (p.Gly21Ala). This variant is present in population databases (no rsID available, gnomAD 0.0009%). This variant has not been reported in the literature in individuals affected with OSBPL2-related conditions. An algorithm developed to predict the effect of missense changes on protein structure and function (PolyPhen-2) suggests that this variant is likely to be disruptive. In summary, the available evidence is currently insufficient to determine the role of this variant in disease. Therefore, it has been classified as a Variant of Uncertain Significance.